The following is an entry in ClinVar:

NM_006005.3(WFS1):c.2074C>T (p.His692Tyr)

Gene: WFS1 (wolframin ER transmembrane glycoprotein; plus strand). Cytogenetic location: 4p16.1.
Variant type: single nucleotide variant.
Coding change: c.2074C>T on transcript NM_006005.3 (MANE Select); coding-DNA position 2074, C replaced by T.
Protein change: p.His692Tyr; replaces histidine 692 with tyrosine.
Molecular consequence: missense variant.
Genome position (GRCh38, 1-based): chr4:6,301,869, C>T. VCF-style: chr4-6301869-C-T. GRCh37 (hg19) VCF-style: chr4-6303596-C-T.
Other names: c.2074C>T, p.His692Tyr (NM_001145853.1); short protein forms H692Y.
Identifiers: ClinVar variation 429213 (VCV000429213.14), dbSNP rs1131691259, ClinGen allele CA356177651.

ClinVar aggregate classification (germline): Uncertain significance/Uncertain risk allele. Review status: criteria provided, multiple submitters, no conflicts (2 of 4 stars). 5 submissions from 5 submitters: Uncertain significance (4); Uncertain risk allele (1). Last evaluated 2024-06-24.

Conditions:
Wolfram syndrome 1 (WFS1). Identifiers: Orphanet 3463, MedGen C4551693, MONDO:0009101, OMIM 222300.

Allele frequency attached by ClinVar (database versions not stated): gnomAD exomes below 0.00001 and 0.00001; TOPMed below 0.00001; gnomAD 0.00001.

Submissions (5):

Labcorp Genetics (formerly Invitae), Labcorp
Classification: Uncertain significance. Last evaluated: 2024-06-24. Review status: criteria provided, single submitter. Criteria: Invitae Variant Classification Sherloc (09022015). Collection method: clinical testing. Allele origin: germline.
Comment: This sequence change replaces histidine, which is basic and polar, with tyrosine, which is neutral and polar, at codon 692 of the WFS1 protein (p.His692Tyr). This variant is present in population databases (no rsID available, gnomAD 0.0009%). This variant has not been reported in the literature in individuals affected with WFS1-related conditions. ClinVar contains an entry for this variant (Variation ID: 429213). Advanced modeling of protein sequence and biophysical properties (such as structural, functional, and spatial information, amino acid conservation, physicochemical variation, residue mobility, and thermodynamic stability) has been performed at Invitae for this missense variant, however the output from this modeling did not meet the statistical confidence thresholds required to predict the impact of this variant on WFS1 protein function. In summary, the available evidence is currently insufficient to determine the role of this variant in disease. Therefore, it has been classified as a Variant of Uncertain Significance.

GeneDx
Classification: Uncertain significance. Last evaluated: 2023-04-18. Review status: criteria provided, single submitter. Criteria: GeneDx Variant Classification Process June 2021. Collection method: clinical testing. Allele origin: germline. Affected: yes.
Comment: Not observed at significant frequency in large population cohorts (gnomAD); In silico analysis, which includes protein predictors and evolutionary conservation, supports a deleterious effect; Has not been previously published as pathogenic or benign to our knowledge

Blueprint Genetics
Classification: Uncertain significance. Last evaluated: 2022-01-21. Review status: criteria provided, single submitter. Criteria: ACMG Guidelines, 2015. Collection method: clinical testing. Allele origin: germline.

Breakthrough Genomics
Classification: Uncertain significance. Review status: criteria provided, single submitter. Criteria: ACMG Guidelines, 2015. Collection method: not provided. Allele origin: germline. Inheritance: Autosomal recessive inheritance. Affected: yes.

Clinical Genomics, Uppaluri K&H Personalized Medicine Clinic
Classification: Uncertain risk allele for Wolfram syndrome 1. Review status: criteria provided, single submitter. Criteria: K & H Uppaluri Personalized Medicine Clinic Variant Classification & Assertion Criteria_Updated V.1. Collection method: research. Allele origin: unknown. Inheritance: Autosomal recessive inheritance.
Comment: Potent mutations in WFS1 gene are associated with Wolfram's syndrome, an autosomal recessive condition, which cause diabetes mellitus, diabetes insipidus, deafness and optic atrophy.However no sufficient evidence is found to ascertain the role of this particular variant rs1131691259 in Wolfram's syndrome yet.

Literature cited by the submitters: PubMed 20738327 (cited by Clinical Genomics, Uppaluri K&H Personalized Medicine Clinic); PubMed 33879153 (cited by Clinical Genomics, Uppaluri K&H Personalized Medicine Clinic); PubMed 12955714 (cited by Clinical Genomics, Uppaluri K&H Personalized Medicine Clinic); PubMed 18060660 (cited by Clinical Genomics, Uppaluri K&H Personalized Medicine Clinic); PubMed 20301750 (cited by Clinical Genomics, Uppaluri K&H Personalized Medicine Clinic); PubMed 17603484 (cited by Clinical Genomics, Uppaluri K&H Personalized Medicine Clinic).